The following is an entry in ClinVar:

NM_003477.3(PDHX):c.28G>A (p.Asp10Asn)

Genes: PDHX (pyruvate dehydrogenase complex component X; plus strand), LOC130005549 (ATAC-STARR-seq lymphoblastoid active region 4608; plus strand). Cytogenetic location: 11p13.
Variant type: single nucleotide variant.
Coding change: c.28G>A on transcript NM_003477.3 (MANE Select); coding-DNA position 28, G replaced by A.
Protein change: p.Asp10Asn; replaces aspartic acid 10 with asparagine.
Molecular consequence: missense variant. On other transcripts: intron variant (1).
Genome position (GRCh38, 1-based): chr11:34,916,683, G>A. VCF-style: chr11-34916683-G-A. GRCh37 (hg19) VCF-style: chr11-34938230-G-A.
Other names: c.28G>A, p.Asp10Asn (NM_001166158.2); c.-21+197G>A (NM_001135024.2); short protein forms D10N.
Identifiers: ClinVar variation 2094021 (VCV002094021.4), dbSNP rs2133931933, ClinGen allele CA380123676.

ClinVar aggregate classification (germline): Uncertain significance (1 of 4 stars; one submission).

Submission:

Labcorp Genetics (formerly Invitae), Labcorp
Classification: Uncertain significance. Last evaluated: 2022-11-01. Review status: criteria provided, single submitter. Criteria: Invitae Variant Classification Sherloc (09022015). Collection method: clinical testing. Allele origin: germline.
Comment: This sequence change replaces aspartic acid, which is acidic and polar, with asparagine, which is neutral and polar, at codon 10 of the PDHX protein (p.Asp10Asn). This variant is not present in population databases (gnomAD no frequency). This variant has not been reported in the literature in individuals affected with PDHX-related conditions. Algorithms developed to predict the effect of missense changes on protein structure and function output the following: SIFT: "Tolerated"; PolyPhen-2: "Benign"; Align-GVGD: "Class C0". The asparagine amino acid residue is found in multiple mammalian species, which suggests that this missense change does not adversely affect protein function. In summary, the available evidence is currently insufficient to determine the role of this variant in disease. Therefore, it has been classified as a Variant of Uncertain Significance.